The following is an entry in ClinVar:

NM_001023.4(RPS20):c.163C>T (p.Arg55Ter)

Gene: RPS20 (ribosomal protein S20; minus strand). Cytogenetic location: 8q12.1.
Variant type: single nucleotide variant.
Coding change: c.163C>T on transcript NM_001023.4 (MANE Select); coding-DNA position 163, C replaced by T.
Protein change: p.Arg55Ter; replaces arginine 55 with a stop codon.
Molecular consequence: nonsense.
Genome position (GRCh38, 1-based): chr8:56,073,709, G>A on the plus strand (C>T on the coding strand, the complement: RPS20 is on the minus strand). VCF-style: chr8-56073709-G-A. GRCh37 (hg19) VCF-style: chr8-56986268-G-A.
Other names: c.163C>T (NM_001023.3); c.163C>T, p.Arg55Ter (NM_001146227.3); short protein forms R55*.
Identifiers: ClinVar variation 4738810 (VCV004738810.2).
Genomic context (GRCh38, chr8:56,073,709, plus strand): 5'-ACATCCGGAAGCAACTCCTACTTCCTGCCCCTCCGATTTACTTTACCTTGGTAGGCATTC[G>A]AACTGGTCCTTTCACTTTGAGATTCTTTTCTTTTGCGCCTCTTATCAAGTCAGCACACAC-3'

ClinVar aggregate classification (germline): Conflicting classifications of pathogenicity. Review status: criteria provided, conflicting classifications (1 of 4 stars). 2 submissions from 2 submitters: Pathogenic (1); Uncertain significance (1). Last evaluated 2026-07-27.

Submissions (2):

Ambry Genetics
Classification: Pathogenic. Last evaluated: 2026-07-27. Review status: criteria provided, single submitter. Criteria: Ambry Variant Classification Scheme 2023. Collection method: clinical testing. Allele origin: germline.
Comment: The p.R55* pathogenic mutation (also known as c.163C>T), located in coding exon 3 of the RPS20 gene, results from a C to T substitution at nucleotide position 163. This changes the amino acid from an arginine to a stop codon within coding exon 3. This variant occurs at the 3' terminus of the gene, is not expected to trigger nonsense-mediated mRNA decay, and impacts the last 54% of the protein. However, premature stop codons are typically deleterious in nature and a significant portion of the protein is affected (Ambry internal data). This variant is considered to be rare based on population cohorts in the Genome Aggregation Database (gnomAD). Based on the supporting evidence, this variant is interpreted as a disease-causing mutation.

Labcorp Genetics (formerly Invitae), Labcorp
Classification: Uncertain significance. Last evaluated: 2025-04-29. Review status: criteria provided, single submitter. Criteria: Invitae Variant Classification Sherloc (09022015). Collection method: clinical testing. Allele origin: germline.
Comment: This sequence change creates a premature translational stop signal (p.Arg55*) in the RPS20 gene. While this is not anticipated to result in nonsense mediated decay, it is expected to disrupt the last 65 amino acid(s) of the RPS20 protein. This variant is not present in population databases (gnomAD no frequency). This variant has not been reported in the literature in individuals affected with RPS20-related conditions. Experimental studies and prediction algorithms are not available or were not evaluated, and the functional significance of this variant is currently unknown. Algorithms developed to predict the effect of sequence changes on RNA splicing suggest that this variant may disrupt the consensus splice site. In summary, the available evidence is currently insufficient to determine the role of this variant in disease. Therefore, it has been classified as a Variant of Uncertain Significance.

Literature cited by the submitters: PubMed 40865030 (cited by Ambry Genetics).